The following is an entry in ClinVar:

NM_022726.4(ELOVL4):c.*360A>G

Gene: ELOVL4 (ELOVL fatty acid elongase 4; minus strand). Cytogenetic location: 6q14.1.
Variant type: single nucleotide variant.
Coding change: c.*360A>G on transcript NM_022726.4 (MANE Select); 360 bases downstream of the stop codon, A replaced by G.
Molecular consequence: 3 prime UTR variant.
Genome position (GRCh38, 1-based): chr6:79,916,248, T>C on the plus strand (A>G on the coding strand, the complement: ELOVL4 is on the minus strand). VCF-style: chr6-79916248-T-C. GRCh37 (hg19) VCF-style: chr6-80625965-T-C.
Identifiers: ClinVar variation 358138 (VCV000358138.5), dbSNP rs537318852, ClinGen allele CA10624775.

ClinVar aggregate classification (germline): Benign (1 of 4 stars; one submission).

Conditions:
Stargardt disease 3. Also called: MACULAR DYSTROPHY WITH FLECKS, TYPE 3; STARGARDT-LIKE MACULAR DYSTROPHY, AUTOSOMAL DOMINANT. Identifiers: Orphanet 827, MedGen C1838644, MONDO:0010819, OMIM 600110.

Allele frequency attached by ClinVar (database versions not stated): TOPMed 0.00004; gnomAD exomes 0.00008; 1000 Genomes Project 0.00060; 1000 Genomes Project 30x 0.00094.

Submission:

Illumina Laboratory Services, Illumina
Classification: Benign for Stargardt disease 3. Last evaluated: 2018-01-13. Review status: criteria provided, single submitter. Criteria: ICSL Variant Classification Criteria 13 December 2019. Collection method: clinical testing. Allele origin: germline.
Comment: This variant was observed in the ICSL laboratory as part of a predisposition screen in an ostensibly healthy population. It had not been previously curated by ICSL or reported in the Human Gene Mutation Database (HGMD: prior to June 1st, 2018), and was therefore a candidate for classification through an automated scoring system. Utilizing variant allele frequency, disease prevalence and penetrance estimates, and inheritance mode, an automated score was calculated to assess if this variant is too frequent to cause the disease. Based on the score and internal cut-off values, a variant classified as benign is not then subjected to further curation. The score for this variant resulted in a classification of benign for this disease.